The following is an entry in ClinVar:

NM_000051.4(ATM):c.4910A>G (p.Asp1637Gly)

Gene: ATM (ATM serine/threonine kinase; plus strand). Cytogenetic location: 11q22.3.
Variant type: single nucleotide variant.
Coding change: c.4910A>G on transcript NM_000051.4 (MANE Select); coding-DNA position 4910, A replaced by G.
Protein change: p.Asp1637Gly; replaces aspartic acid 1637 with glycine.
Molecular consequence: missense variant.
Genome position (GRCh38, 1-based): chr11:108,297,287, A>G. VCF-style: chr11-108297287-A-G. GRCh37 (hg19) VCF-style: chr11-108168014-A-G.
Other names: p.Asp1637Gly; c.4910A>G, p.Asp1637Gly (NM_001351834.2); c.4910A>G (NM_000051.2); short protein forms D1637G.
Identifiers: ClinVar variation 407499 (VCV000407499.32), dbSNP rs763457172, ClinGen allele CA6265583.

ClinVar aggregate classification (germline): Conflicting classifications of pathogenicity. Review status: criteria provided, conflicting classifications (1 of 4 stars). 13 submissions from 13 submitters: Uncertain significance (9); Likely benign (3). 1 of the submissions does not count toward it. Last evaluated 2026-01-28.

Conditions:
Familial cancer of breast. Also called: Hereditary breast cancer; hereditary breast carcinoma; BREAST CANCER, FAMILIAL. Identifiers: Orphanet 227535, MedGen C0346153, MONDO:0016419, OMIM 114480. Disease mechanism: loss of function.
Familial colorectal cancer type X. Identifiers: Orphanet 440437, MedGen C3896578, MONDO:0018604.
Ataxia-telangiectasia syndrome (AT). Also called: Ataxia telangiectasia (A-T); LOUIS-BAR SYNDROME; Cerebello-oculocutaneous telangiectasia; Immunodeficiency with ataxia telangiectasia; Ataxia-telangiectasia, complementation group D; AT, COMPLEMENTATION GROUP C. Identifiers: Orphanet 100, MedGen C0004135, MONDO:0008840, OMIM 208900.
Hereditary cancer-predisposing syndrome. Also called: Hereditary neoplastic syndrome; Neoplastic Syndromes, Hereditary; Tumor predisposition; Hereditary Cancer Syndrome. Identifiers: Orphanet 140162, MedGen C0027672, MeSH D009386, MONDO:0015356.

Allele frequency attached by ClinVar (database versions not stated): gnomAD below 0.00001 and 0.00005; TOPMed below 0.00001; ExAC 0.00011.

Submissions (13):

Labcorp Genetics (formerly Invitae), Labcorp
Classification: Likely benign for Ataxia-telangiectasia syndrome. Last evaluated: 2026-01-28. Review status: criteria provided, single submitter. Criteria: Invitae Variant Classification Sherloc (09022015). Collection method: clinical testing. Allele origin: germline.

Color Diagnostics, LLC DBA Color Health
Classification: Likely benign for Hereditary cancer-predisposing syndrome. Last evaluated: 2024-09-18. Review status: criteria provided, single submitter. Criteria: ACMG Guidelines, 2015. Collection method: clinical testing. Allele origin: germline.

Baylor Genetics
Classification: Uncertain significance for Familial cancer of breast. Last evaluated: 2024-02-20. Review status: criteria provided, single submitter. Criteria: ACMG Guidelines, 2015. Collection method: clinical testing. Allele origin: unknown.

Foundation for Research in Genetics and Endocrinology, FRIGE's Institute of Human Genetics
Classification: Uncertain significance for Familial cancer of breast. Last evaluated: 2024-02-06. Review status: criteria provided, single submitter. Criteria: ACMG Guidelines, 2015. Collection method: clinical testing. Allele origin: germline. Inheritance: Autosomal dominant inheritance. Affected: yes. Observed: 1 heterozygote.
Comment: A heterozygous splice site proximal missense variation in exon 33 of the ATM gene that results in the amino acid substitution of Glycine for Aspartic Acid at codon 1637 (p.Asp1637Gly) was detected. The observed variation has previously been reported in breast and/or ovarian cancer patients [PMID: 29470806, 30093976]. The p.Asp1637Gly variant has not been reported in the 1000 genomes database and has a minor allele frequency of 0.005% in the gnomAD database. The in-silico predictions of the variant are benign by PolyPhen-2 (Hum_Div), SIFT, LRT and Mutation Taster2 tools. The reference codon is conserved in mammals. In summary, the variant meets our criteria to be classified as a variant of uncertain significance.

Neuberg Centre For Genomic Medicine, NCGM
Classification: Uncertain significance for Familial cancer of breast. Last evaluated: 2023-06-22. Review status: criteria provided, single submitter. Criteria: ACMG Guidelines, 2015. Collection method: clinical testing. Allele origin: germline. Inheritance: Autosomal dominant inheritance. Affected: yes.
Comment: The missense c.4910A>G (p.Asp1637Gly) in ATM gene has been reported in heterozygous state in multiple individuals affected with Breast cancer, susceptibility (Tsaousis et. al., 2019; Chan et. al., 2018; Singh et. al., 2018). The p.Asp1637Gly variant is present with allele frequency of 0.01% in gnomAD exomes database. This variant has been reported to the ClinVar database as Likely Benign / Uncertain Significance (multiple submissions). Multiple lines of computational evidence (Polyphen - Benign, SIFT - Tolerated and MutationTaster - Polymorphism) predict no damaging effect on protein structure and function for this variant. The reference amino acid at this position on ATM gene is predicted as conserved by GERP++ and PhyloP across 100 vertebrates. The amino acid Asp at position 1637 is changed to a Gly changing protein sequence and it might alter its composition and physico-chemical properties. For these reasons, this variant has been classified as Uncertain Significance (VUS).

KCCC/NGS Laboratory, Kuwait Cancer Control Center
Classification: Uncertain significance for Familial cancer of breast. Last evaluated: 2023-05-30. Review status: criteria provided, single submitter. Criteria: ACMG Guidelines, 2015. Collection method: clinical testing. Allele origin: unknown. Inheritance: Autosomal dominant inheritance. Affected: yes.
Comment: a variant of uncertain significance was detected in the ATM gene (Asp1637Gly). This sequence change replaces aspartic acid with glycine at codon 1637 of the ATM protein (p.Asp1637Gly). The aspartic acid residue is weakly conserved and there is a moderate physicochemical difference between aspartic acid and glycine. This variant is present in population databases (rs763457172, ExAC 0.08%). ClinVar contains an entry for this variant (Variation ID: 407499) with 4 submissions: 1 benign and 3 variant of uncertain significance. In-silico predictions show benign computational verdict based on 11 benign predictions from BayesDel_addAF, DANN, DEOGEN2, EIGEN, LIST-S2, M-CAP, MVP, MutationAssessor, MutationTaster, PrimateAI and SIFT vs 1 pathogenic prediction from FATHMM-MKL and the position is not strongly conserved. These predictions have not been confirmed by published functional studies and their clinical significance is uncertain. Therefore, it has been classified as a Variant of Uncertain Significance. Heterozygous pathogenic/likely pathogenic mutations in the ATM gene are associated with susceptibility to breast cancer (OMIM 114480 ).

Revvity Omics, Revvity
Classification: Uncertain significance for Ataxia-telangiectasia syndrome. Last evaluated: 2023-02-28. Review status: criteria provided, single submitter. Criteria: ACMG Guidelines, 2015. Collection method: clinical testing. Allele origin: germline.

Department of Pathology and Laboratory Medicine, Sinai Health System
Classification: Uncertain significance for Familial colorectal cancer type X. Last evaluated: 2022-05-24. Review status: criteria provided, single submitter. Criteria: ACMG Guidelines, 2015. Collection method: clinical testing. Allele origin: germline. Affected: yes.

Athena Diagnostics
Classification: Uncertain significance. Last evaluated: 2022-03-17. Review status: criteria provided, single submitter. Criteria: Athena Diagnostics Criteria. Collection method: clinical testing. Allele origin: unknown.

Sema4
Classification: Uncertain significance for Hereditary cancer-predisposing syndrome. Last evaluated: 2021-12-10. Review status: criteria provided, single submitter. Criteria: Sema4 Curation Guidelines. Collection method: curation. Allele origin: germline.
Comment: The ATM c.4910A>G (p.D1637G) variant has been reported in heterozygosity in at least three individuals with personal or family histories of breast/ovarian cancer and one with uterine cancer (PMID: 29470806, 30093976, 31159747, 26689913). This variant was observed in 27/30600 chromosomes in the South Asian population, with no homozygotes, according to the Genome Aggregation Database (PMID: 32461654). This variant has been reported in ClinVar (Variation ID: 407499). In silico tools suggest the impact of the variant on protein function is benign, though these predictions have not been confirmed by functional studies. The overall evidence is inconsistent with ACMG/AMP requirements for a classification of benign or pathogenic. In summary, the clinical significance of this variant is currently uncertain.

Ambry Genetics
Classification: Likely benign for Hereditary cancer-predisposing syndrome. Last evaluated: 2021-03-31. Review status: criteria provided, single submitter. Criteria: Ambry Variant Classification Scheme 2023. Collection method: clinical testing. Allele origin: germline.

GeneKor MSA
Classification: Uncertain significance for Hereditary cancer-predisposing syndrome. Last evaluated: 2018-08-01. Review status: criteria provided, single submitter. Criteria: ACMG Guidelines, 2015. Collection method: clinical testing. Allele origin: germline.

Natera, Inc.
Classification: Uncertain significance for Ataxia-telangiectasia. Last evaluated: 2020-01-04. Review status: no assertion criteria provided. Collection method: clinical testing. Allele origin: germline. Not counted in ClinVar's aggregate classification.

Literature cited by the submitters: PubMed 29470806 (cited by 4 submitters); PubMed 30093976 (cited by 4 submitters); PubMed 31159747 (cited by 4 submitters); PubMed 26689913 (cited by Sema4).